The following is an entry in ClinVar:

ClinVar aggregate classification (germline): Conflicting classifications of pathogenicity. Review status: criteria provided, conflicting classifications (1 of 4 stars). 3 submissions from 3 submitters: Uncertain significance (1); Likely benign (1). 1 of the submissions does not count toward it. Last evaluated 2024-01-23.

Conditions:
Inborn genetic diseases. Identifiers: MedGen C0950123, MeSH D030342.
PKD1-related disorder. Also called: PKD1-related condition.

Allele frequency attached by ClinVar (database versions not stated): TOPMed 0.00005; gnomAD 0.00013; gnomAD exomes 0.00036; 1000 Genomes Project 30x 0.00047; 1000 Genomes Project 0.00060; ExAC 0.00234.
gnomAD v4.1: 526 of 1,565,284 alleles (0.034%); highest among the groups gnomAD compares: South Asian, 0.51%; 3 homozygotes.

Submissions (3):

Blueprint Genetics
Classification: Likely benign. Last evaluated: 2024-01-23. Review status: criteria provided, single submitter. Criteria: ACMG Guidelines, 2015. Collection method: clinical testing. Allele origin: germline.

Ambry Genetics
Classification: Uncertain significance for Inborn genetic diseases. Last evaluated: 2021-08-12. Review status: criteria provided, single submitter. Criteria: Ambry Variant Classification Scheme 2023. Collection method: clinical testing. Allele origin: germline.

PreventionGenetics, part of Exact Sciences
Classification: Likely benign for PKD1-related condition. Last evaluated: 2019-08-26. Review status: no assertion criteria provided. Collection method: clinical testing. Allele origin: germline. Not counted in ClinVar's aggregate classification.
Comment: This variant is classified as likely benign based on ACMG/AMP sequence variant interpretation guidelines (Richards et al. 2015 PMID: 25741868, with internal and published modifications).

NM_001009944.3(PKD1):c.6593C>T (p.Pro2198Leu)

Gene: PKD1 (polycystin 1, transient receptor potential channel interacting; minus strand). Cytogenetic location: 16p13.3.
Variant type: single nucleotide variant.
Coding change: c.6593C>T on transcript NM_001009944.3 (MANE Select); coding-DNA position 6593, C replaced by T.
Protein change: p.Pro2198Leu; replaces proline 2198 with leucine.
Molecular consequence: missense variant.
Genome position (GRCh38, 1-based): chr16:2,108,574, G>A on the plus strand (C>T on the coding strand, the complement: PKD1 is on the minus strand). VCF-style: chr16-2108574-G-A. GRCh37 (hg19) VCF-style: chr16-2158575-G-A.
Other names: c.6593C>T, p.Pro2198Leu (NM_000296.4); short protein forms P2198L.
Identifiers: ClinVar variation 2343791 (VCV002343791.5), dbSNP rs559786408, ClinGen allele CA7831551.
Genomic context (GRCh38, chr16:2,108,574, plus strand): 5'-AGCACCAGCCGAGGCCGGCTCACGTCCACGCCGGGCAGGGCCACACGCGCTGGGCGCCCC[G>A]GCCGCTGGCAGCTGGCGGTGCGATACACCTCCCAGCGGTACTCAGTCTGGTAGGTGACGC-3'
Protein context (NP_001009944.3, residues 2188-2208): EVYRTASCQR[Pro2198Leu]GRPARVALPG